The following is an entry in ClinVar:

NM_197968.4(ZMYM2):c.1214_1217del (p.Cys405fs)

Gene: ZMYM2 (zinc finger MYM-type containing 2; plus strand). Cytogenetic location: 13q12.11.
Variant type: Deletion.
Coding change: c.1214_1217del on transcript NM_197968.4 (MANE Select); coding-DNA positions 1214 to 1217, 4 bases deleted (GTTT; older notation c.1214_1217delGTTT).
Protein change: p.Cys405fs; shifts the reading frame from cysteine 405.
Molecular consequence: frameshift variant. On other transcripts: non-coding transcript variant (1).
Genome position (GRCh38, 1-based): chr13:20,005,154-20,005,157, GTTT deleted; deleting any 4 consecutive bases within chr13:20,005,152-20,005,157 gives the same sequence; the c. name uses the placement nearest the transcript's 3' end. VCF-style (leftmost placement, unchanged base first): chr13-20005151-CTTGT-C. GRCh37 (hg19) VCF-style: chr13-20579291-CTTGT-C.
Other names: c.1214_1217del, p.Cys405fs (NM_001190964.4, NM_001190965.4, NM_001353157.2 and 5 more transcripts); c.1019_1022del, p.Cys340fs (NM_001353161.3); c.953_956del, p.Cys318fs (NM_001353163.2); short protein forms C318fs, C340fs, C405fs.
Identifiers: ClinVar variation 4282451 (VCV004282451.2).
Genomic context (GRCh38, chr13:20,005,151, plus strand): 5'-AAGGAACCATTGTTGCTCAAGTGGATTCAAGTGAGTCCTTCCAGGAATTCTGTAGTACAT[CTTGT>C]TTATCTCTCTATGAAGACAAACAGAATCCTACTAAAGGAGCTCTAAATAAATCAAGATGT-3'

ClinVar aggregate classification (germline): Pathogenic (1 of 4 stars; one submission).

Submission:

GeneDx
Classification: Pathogenic. Last evaluated: 2026-06-20. Review status: criteria provided, single submitter. Criteria: GeneDx Variant Classification Process June 2021. Collection method: clinical testing. Allele origin: germline.
Comment: Frameshift variant predicted to result in protein truncation or nonsense mediated decay in a gene for which loss of function is a known mechanism of disease; Not observed at significant frequency in large population cohorts (gnomAD); Has not been previously published as pathogenic or benign to our knowledge